The following is an entry in ClinVar:

ClinVar aggregate classification (germline): Uncertain significance (1 of 4 stars; one submission).

Submission:

GeneDx
Classification: Uncertain significance. Last evaluated: 2024-05-09. Review status: criteria provided, single submitter. Criteria: GeneDx Variant Classification Process June 2021. Collection method: clinical testing. Allele origin: germline. Affected: yes.
Comment: Not observed at significant frequency in large population cohorts (gnomAD); In silico analysis indicates that this missense variant does not alter protein structure/function; Has not been previously published as pathogenic or benign to our knowledge

NM_001378328.1(CELSR1):c.3281A>G (p.Gln1094Arg)

Gene: CELSR1 (cadherin EGF LAG seven-pass G-type receptor 1; minus strand). Cytogenetic location: 22q13.31.
Variant type: single nucleotide variant.
Coding change: c.3281A>G on transcript NM_001378328.1 (MANE Select); coding-DNA position 3281, A replaced by G.
Protein change: p.Gln1094Arg; replaces glutamine 1094 with arginine.
Molecular consequence: missense variant.
Genome position (GRCh38, 1-based): chr22:46,533,890, T>C on the plus strand (A>G on the coding strand, the complement: CELSR1 is on the minus strand). VCF-style: chr22-46533890-T-C. GRCh37 (hg19) VCF-style: chr22-46929787-T-C.
Other names: c.3281A>G, p.Gln1094Arg (NM_014246.4); short protein forms Q1094R.
Identifiers: ClinVar variation 3375851 (VCV003375851.1).